The following is an entry in ClinVar:

ClinVar aggregate classification (germline): Uncertain significance (1 of 4 stars; one submission).

Submission:

GeneDx
Classification: Uncertain significance. Last evaluated: 2026-03-12. Review status: criteria provided, single submitter. Criteria: GeneDx Variant Classification Process June 2021. Collection method: clinical testing. Allele origin: germline.
Comment: Not observed at significant frequency in large population cohorts (gnomAD); In silico analysis suggests that this missense variant does not alter protein structure/function; Has not been previously published as pathogenic or benign to our knowledge

NM_016333.4(SRRM2):c.5515A>G (p.Arg1839Gly)

Gene: SRRM2 (serine/arginine repetitive matrix 2; plus strand). Cytogenetic location: 16p13.3.
Variant type: single nucleotide variant.
Coding change: c.5515A>G on transcript NM_016333.4 (MANE Select); coding-DNA position 5515, A replaced by G.
Protein change: p.Arg1839Gly; replaces arginine 1839 with glycine.
Molecular consequence: missense variant.
Genome position (GRCh38, 1-based): chr16:2,766,043, A>G. VCF-style: chr16-2766043-A-G. GRCh37 (hg19) VCF-style: chr16-2816044-A-G.
Other names: short protein forms R1839G.
Identifiers: ClinVar variation 5008852 (VCV005008852.1).